The following is an entry in ClinVar:

NM_000428.3(LTBP2):c.2618G>A (p.Ser873Asn)

Gene: LTBP2 (latent transforming growth factor beta binding protein 2; minus strand). Cytogenetic location: 14q24.3.
Variant type: single nucleotide variant.
Coding change: c.2618G>A on transcript NM_000428.3 (MANE Select); coding-DNA position 2618, G replaced by A.
Protein change: p.Ser873Asn; replaces serine 873 with asparagine.
Molecular consequence: missense variant.
Genome position (GRCh38, 1-based): chr14:74,522,831, C>T on the plus strand (G>A on the coding strand, the complement: LTBP2 is on the minus strand). VCF-style: chr14-74522831-C-T. GRCh37 (hg19) VCF-style: chr14-74989534-C-T.
Other names: short protein forms S873N.
Identifiers: ClinVar variation 4749886 (VCV004749886.1).

ClinVar aggregate classification (germline): Uncertain significance (1 of 4 stars; one submission).

gnomAD v4.1: 10 of 1,612,154 alleles (0.00062%); highest among the groups gnomAD compares: Non-Finnish European, 0.00085%; no homozygotes.

Submission:

Labcorp Genetics (formerly Invitae), Labcorp
Classification: Uncertain significance. Last evaluated: 2025-04-07. Review status: criteria provided, single submitter. Criteria: Invitae Variant Classification Sherloc (09022015). Collection method: clinical testing. Allele origin: germline.
Comment: This sequence change replaces serine, which is neutral and polar, with asparagine, which is neutral and polar, at codon 873 of the LTBP2 protein (p.Ser873Asn). This variant is present in population databases (rs759367257, gnomAD 0.002%). This variant has not been reported in the literature in individuals affected with LTBP2-related conditions. An algorithm developed to predict the effect of missense changes on protein structure and function outputs the following: PolyPhen-2: "Benign". The asparagine amino acid residue is found in multiple mammalian species, which suggests that this missense change does not adversely affect protein function. In summary, the available evidence is currently insufficient to determine the role of this variant in disease. Therefore, it has been classified as a Variant of Uncertain Significance.